The following is an entry in ClinVar:

NM_001080467.3(MYO5B):c.4123C>G (p.Gln1375Glu)

Gene: MYO5B (myosin VB; minus strand). Cytogenetic location: 18q21.1.
Variant type: single nucleotide variant.
Coding change: c.4123C>G on transcript NM_001080467.3 (MANE Select); coding-DNA position 4123, C replaced by G.
Protein change: p.Gln1375Glu; replaces glutamine 1375 with glutamic acid.
Molecular consequence: missense variant.
Genome position (GRCh38, 1-based): chr18:49,853,547, G>C on the plus strand (C>G on the coding strand, the complement: MYO5B is on the minus strand). VCF-style: chr18-49853547-G-C. GRCh37 (hg19) VCF-style: chr18-47379917-G-C.
Other names: short protein forms Q1375E.
Identifiers: ClinVar variation 327016 (VCV000327016.10), dbSNP rs765059688, ClinGen allele CA8960458.

ClinVar aggregate classification (germline): Uncertain significance. Review status: criteria provided, multiple submitters, no conflicts (2 of 4 stars). 3 submissions from 3 submitters: Uncertain significance (3). Last evaluated 2025-03-26.

Conditions:
Inborn genetic diseases. Identifiers: MedGen C0950123, MeSH D030342.
Congenital microvillous atrophy (DIAR2). Also called: DAVIDSON DISEASE; MICROVILLUS ATROPHY, CONGENITAL; Microvillus inclusion disease; Diarrhea 2 with microvillus atrophy, with or without cholestasis; CONGENITAL FAMILIAL PROTRACTED DIARRHEA WITH ENTEROCYTE BRUSH-BORDER ABNORMALITIES. Identifiers: Orphanet 2290, MedGen C0341306, MONDO:0009635, OMIM 251850.

Allele frequency attached by ClinVar (database versions not stated): gnomAD 0.00001; gnomAD exomes 0.00001 and 0.00002; TOPMed 0.00001; ExAC 0.00002.
gnomAD v4.1: 21 of 1,614,088 alleles (0.0013%); highest among the groups gnomAD compares: Non-Finnish European, 0.0018%; no homozygotes.

Submissions (3):

Ambry Genetics
Classification: Uncertain significance for Inborn genetic diseases. Last evaluated: 2025-03-26. Review status: criteria provided, single submitter. Criteria: Ambry Variant Classification Scheme 2023. Collection method: clinical testing. Allele origin: germline.

Labcorp Genetics (formerly Invitae), Labcorp
Classification: Uncertain significance. Last evaluated: 2022-06-27. Review status: criteria provided, single submitter. Criteria: Invitae Variant Classification Sherloc (09022015). Collection method: clinical testing. Allele origin: germline.
Comment: This sequence change replaces glutamine, which is neutral and polar, with glutamic acid, which is acidic and polar, at codon 1375 of the MYO5B protein (p.Gln1375Glu). This variant is present in population databases (rs765059688, gnomAD 0.004%). This variant has not been reported in the literature in individuals affected with MYO5B-related conditions. ClinVar contains an entry for this variant (Variation ID: 327016). Algorithms developed to predict the effect of missense changes on protein structure and function are either unavailable or do not agree on the potential impact of this missense change (SIFT: "Deleterious"; PolyPhen-2: "Benign"; Align-GVGD: "Class C0"). In summary, the available evidence is currently insufficient to determine the role of this variant in disease. Therefore, it has been classified as a Variant of Uncertain Significance.

Illumina Laboratory Services, Illumina
Classification: Uncertain significance for Congenital microvillous atrophy. Last evaluated: 2018-01-13. Review status: criteria provided, single submitter. Criteria: ICSL Variant Classification Criteria 13 December 2019. Collection method: clinical testing. Allele origin: germline.